The following is an entry in ClinVar:

ClinVar aggregate classification (germline): Likely benign. Review status: criteria provided, multiple submitters, no conflicts (2 of 4 stars). 2 submissions from 2 submitters: Likely benign (2). Last evaluated 2026-01-09.

Conditions:
Chédiak-Higashi syndrome (CHS). Also called: Chediak-Higashi Syndrome. Identifiers: Orphanet 167, MedGen C0007965, MONDO:0008963, OMIM 214500.

Allele frequency attached by ClinVar (database versions not stated): gnomAD exomes 0.00002; gnomAD 0.00001; ExAC 0.00002; TOPMed 0.00003; ESP Exome Variant Server 0.00008.

Submissions (2):

Labcorp Genetics (formerly Invitae), Labcorp
Classification: Likely benign for Chédiak-Higashi syndrome. Last evaluated: 2026-01-09. Review status: criteria provided, single submitter. Criteria: Invitae Variant Classification Sherloc (09022015). Collection method: clinical testing. Allele origin: germline.

CeGaT Center for Human Genetics Tuebingen
Classification: Likely benign. Last evaluated: 2024-08-01. Review status: criteria provided, single submitter. Criteria: CeGaT Center For Human Genetics Tuebingen Variant Classification Criteria Version 2. Collection method: clinical testing. Allele origin: germline. Affected: yes. Observed: 1 variant allele.
Comment: LYST: BP4, BP7

NM_000081.4(LYST):c.111G>A (p.Thr37=)

Gene: LYST (lysosomal trafficking regulator; minus strand). Cytogenetic location: 1q42.3.
Variant type: single nucleotide variant.
Coding change: c.111G>A on transcript NM_000081.4 (MANE Select); coding-DNA position 111, G replaced by A.
Protein change: p.Thr37=; no amino-acid change (threonine 37 retained).
Molecular consequence: synonymous variant. On other transcripts: non-coding transcript variant (1).
Genome position (GRCh38, 1-based): chr1:235,830,307, C>T on the plus strand (G>A on the coding strand, the complement: LYST is on the minus strand). VCF-style: chr1-235830307-C-T. GRCh37 (hg19) VCF-style: chr1-235993607-C-T.
Other names: c.111G>A, p.Thr37= (NM_001301365.1).
Identifiers: ClinVar variation 703077 (VCV000703077.25), dbSNP rs144446737, ClinGen allele CA1467727.